The following is an entry in ClinVar:

NM_000238.4(KCNH2):c.1240A>G (p.Ile414Val)

Gene: KCNH2 (potassium voltage-gated channel subfamily H member 2; minus strand). Cytogenetic location: 7q36.1.
Variant type: single nucleotide variant.
Coding change: c.1240A>G on transcript NM_000238.4 (MANE Select); coding-DNA position 1240, A replaced by G.
Protein change: p.Ile414Val; replaces isoleucine 414 with valine.
Molecular consequence: missense variant.
Genome position (GRCh38, 1-based): chr7:150,952,742, T>C on the plus strand (A>G on the coding strand, the complement: KCNH2 is on the minus strand). VCF-style: chr7-150952742-T-C. GRCh37 (hg19) VCF-style: chr7-150649830-T-C.
Other names: c.220A>G, p.Ile74Val (NM_001204798.2, NM_172057.3); c.952A>G, p.Ile318Val (NM_001406753.1, NM_001406756.1); c.1063A>G, p.Ile355Val (NM_001406755.1); c.940A>G, p.Ile314Val (NM_001406757.1); c.1240A>G, p.Ile414Val (NM_172056.3); short protein forms I414V, I74V, I314V, I318V, I355V.
Identifiers: ClinVar variation 924916 (VCV000924916.9), dbSNP rs1801229604, ClinGen allele CA369860142.

ClinVar aggregate classification (germline): Uncertain significance. Review status: criteria provided, multiple submitters, no conflicts (2 of 4 stars). 2 submissions from 2 submitters: Uncertain significance (2). Last evaluated 2024-07-20.

Conditions:
Long QT syndrome (LQTS). Identifiers: MedGen C0023976, MeSH D008133, MONDO:0002442. Disease mechanism: loss of function. Inheritance: Various modes of inheritance.
Cardiac arrhythmia. Also called: Cardiac rhythm disease; Arrhythmia. Identifiers: MedGen C0003811, MONDO:0007263, HP:0011675.

Allele frequency attached by ClinVar (database versions not stated): gnomAD exomes below 0.00001.
gnomAD v4.1: 1 of 1,614,102 alleles (0.000062%); highest among the groups gnomAD compares: South Asian, 0.0011%; no homozygotes.

Submissions (2):

All of Us Research Program, National Institutes of Health
Classification: Uncertain significance for Long QT syndrome. Last evaluated: 2024-07-20. Review status: criteria provided, single submitter. Criteria: ACMG Guidelines, 2015. Collection method: clinical testing. Allele origin: germline. Inheritance: Autosomal dominant inheritance. Observed: 1 variant allele, 1 heterozygote.
Comment: Variant of Uncertain Significance due to insufficient evidence: This missense variant replaces isoleucine with valine at codon 414 of the KCNH2 protein. Computational prediction tools and conservation analyses suggest that this variant may have deleterious impact on the protein function. Computational splicing tools suggest that this variant may not impact RNA splicing. To our knowledge, functional assays have not been performed for this variant nor has this variant been reported in individuals affected with cardiovascular disorders in the literature. This variant is rare in the general population and has been identified in 0/277264 chromosomes by the Genome Aggregation Database (gnomAD). Available evidence is insufficient to determine the role of this variant in disease conclusively.

This study involves interpretation of variants in research participants for the purpose of population health screening. Participant phenotype was not available at the time of variant classification. Additional details can be found in publication PMID: 35346344, PMCID: PMC8962531

Color Diagnostics, LLC DBA Color Health
Classification: Uncertain significance for Cardiac arrhythmia. Last evaluated: 2023-12-05. Review status: criteria provided, single submitter. Criteria: ACMG Guidelines, 2015. Collection method: clinical testing. Allele origin: germline.
Comment: Variant of Uncertain Significance due to insufficient evidence: This missense variant replaces isoleucine with valine at codon 414 of the KCNH2 protein. Computational prediction tools and conservation analyses suggest that this variant may have deleterious impact on the protein function. Computational splicing tools suggest that this variant may not impact RNA splicing. To our knowledge, functional assays have not been performed for this variant nor has this variant been reported in individuals affected with cardiovascular disorders in the literature. This variant is rare in the general population and has been identified in 0/277264 chromosomes by the Genome Aggregation Database (gnomAD). Available evidence is insufficient to determine the role of this variant in disease conclusively.